The following is an entry in ClinVar:

ClinVar aggregate classification (germline): Uncertain significance (0 of 4 stars; one submission).

Conditions:
SEMA3F-related disorder. Also called: SEMA3F-related condition.

gnomAD v4.1: 26 of 1,613,696 alleles (0.0016%); highest among the groups gnomAD compares: South Asian, 0.0033%; no homozygotes.

Submission:

PreventionGenetics, part of Exact Sciences
Classification: Uncertain significance for SEMA3F-related condition. Last evaluated: 2024-06-04. Review status: no assertion criteria provided. Collection method: clinical testing. Allele origin: germline.
Comment: The SEMA3F c.752G>A variant is predicted to result in the amino acid substitution p.Arg251Gln. To our knowledge, this variant has not been reported in the literature. This variant is reported in 0.040% of alleles in individuals of Ashkenazi Jewish descent in gnomAD. At this time, the clinical significance of this variant is uncertain due to the absence of conclusive functional and genetic evidence.

NM_004186.5(SEMA3F):c.752G>A (p.Arg251Gln)

Gene: SEMA3F (semaphorin 3F; plus strand). Cytogenetic location: 3p21.31.
Variant type: single nucleotide variant.
Coding change: c.752G>A on transcript NM_004186.5 (MANE Select); coding-DNA position 752, G replaced by A.
Protein change: p.Arg251Gln; replaces arginine 251 with glutamine.
Molecular consequence: missense variant.
Genome position (GRCh38, 1-based): chr3:50,182,392, G>A. VCF-style: chr3-50182392-G-A. GRCh37 (hg19) VCF-style: chr3-50219825-G-A.
Other names: c.455G>A, p.Arg152Gln (NM_001318798.2); c.659G>A, p.Arg220Gln (NM_001318800.2); short protein forms R152Q, R220Q, R251Q.
Identifiers: ClinVar variation 3351269 (VCV003351269.1).
Genomic context (GRCh38, chr3:50,182,392, plus strand): 5'-CAGCCATCTTCCGCACACTTGGAAAGCAGACAGCCATGCGCACGGATCAGTACAACTCCC[G>A]GTGGCTGAACGGTAAGCGCAGCCCCAGGAGCCCTTCCGTGGCCATGTGTCTGGGATGCGG-3'
Protein context (NP_004177.3, residues 241-261): TAMRTDQYNS[Arg251Gln]WLNDPSFIHA